The following is an entry in ClinVar:

NM_000090.4(COL3A1):c.2273A>G (p.Asp758Gly)

Gene: COL3A1 (collagen type III alpha 1 chain; plus strand). Cytogenetic location: 2q32.2.
Variant type: single nucleotide variant.
Coding change: c.2273A>G on transcript NM_000090.4 (MANE Select); coding-DNA position 2273, A replaced by G.
Protein change: p.Asp758Gly; replaces aspartic acid 758 with glycine.
Molecular consequence: missense variant.
Genome position (GRCh38, 1-based): chr2:188,999,885, A>G. VCF-style: chr2-188999885-A-G. GRCh37 (hg19) VCF-style: chr2-189864611-A-G.
Other names: short protein forms D758G.
Identifiers: ClinVar variation 1313343 (VCV001313343.7), dbSNP rs2153503070, ClinGen allele CA349841194.

ClinVar aggregate classification (germline): Uncertain significance. Review status: criteria provided, multiple submitters, no conflicts (2 of 4 stars). 2 submissions from 2 submitters: Uncertain significance (2). Last evaluated 2021-09-04.

Conditions:
Ehlers-Danlos syndrome, type 4 (EDSVASC). Also called: Ehlers-Danlos syndrome vascular type; Ehlers Danlos syndrome, ecchymotic type; Ehlers Danlos syndrome, arterial type; Ehlers Danlos syndrome, Sack-Barabas type; Ehlers-Danlos Syndrome Type IV. Identifiers: Orphanet 286, MedGen C0268338, MONDO:0017314, OMIM 130050.

Submissions (2):

Labcorp Genetics (formerly Invitae), Labcorp
Classification: Uncertain significance for Ehlers-Danlos syndrome, type 4. Last evaluated: 2021-09-04. Review status: criteria provided, single submitter. Criteria: Invitae Variant Classification Sherloc (09022015). Collection method: clinical testing. Allele origin: germline.
Comment: This sequence change replaces aspartic acid with glycine at codon 758 of the COL3A1 protein (p.Asp758Gly). The aspartic acid residue is highly conserved and there is a moderate physicochemical difference between aspartic acid and glycine. This variant is not present in population databases (ExAC no frequency). This variant has not been reported in the literature in individuals affected with COL3A1-related conditions. Advanced modeling of protein sequence and biophysical properties (such as structural, functional, and spatial information, amino acid conservation, physicochemical variation, residue mobility, and thermodynamic stability) performed at Invitae indicates that this missense variant is not expected to disrupt COL3A1 protein function. Algorithms developed to predict the effect of sequence changes on RNA splicing suggest that this variant may create or strengthen a splice site. In summary, the available evidence is currently insufficient to determine the role of this variant in disease. Therefore, it has been classified as a Variant of Uncertain Significance.

GeneDx
Classification: Uncertain significance. Last evaluated: 2020-10-14. Review status: criteria provided, single submitter. Criteria: GeneDx Variant Classification Process June 2021. Collection method: clinical testing. Allele origin: germline. Affected: yes.
Comment: Has not been previously published as pathogenic or benign to our knowledge; Not observed in large population cohorts (Lek et al., 2016); In silico analysis supports that this missense variant has a deleterious effect on protein structure/function; Occurs in the triple helical domain at the Y position in the canonical Gly-X-Y repeat; although this variant may have an effect on normal protein folding and function, missense substitution at the Y position is not a common mechanism of disease (Stenson et al., 2014)